The following is an entry in ClinVar:

NM_003051.4(SLC16A1):c.195G>A (p.Met65Ile)

Gene: SLC16A1 (solute carrier family 16 member 1; minus strand). Cytogenetic location: 1p13.2.
Variant type: single nucleotide variant.
Coding change: c.195G>A on transcript NM_003051.4 (MANE Select); coding-DNA position 195, G replaced by A.
Protein change: p.Met65Ile; replaces methionine 65 with isoleucine.
Molecular consequence: missense variant.
Genome position (GRCh38, 1-based): chr1:112,929,114, C>T on the plus strand (G>A on the coding strand, the complement: SLC16A1 is on the minus strand). VCF-style: chr1-112929114-C-T. GRCh37 (hg19) VCF-style: chr1-113471736-C-T.
Other names: c.195G>A, p.Met65Ile (NM_001166496.2); short protein forms M65I.
Identifiers: ClinVar variation 4763342 (VCV004763342.1).

ClinVar aggregate classification (germline): Uncertain significance (1 of 4 stars; one submission).

Submission:

Labcorp Genetics (formerly Invitae), Labcorp
Classification: Uncertain significance. Last evaluated: 2025-05-21. Review status: criteria provided, single submitter. Criteria: Invitae Variant Classification Sherloc (09022015). Collection method: clinical testing. Allele origin: germline.
Comment: This sequence change replaces methionine, which is neutral and non-polar, with isoleucine, which is neutral and non-polar, at codon 65 of the SLC16A1 protein (p.Met65Ile). This variant is not present in population databases (gnomAD no frequency). This variant has not been reported in the literature in individuals affected with SLC16A1-related conditions. Invitae Evidence Modeling of protein sequence and biophysical properties (such as structural, functional, and spatial information, amino acid conservation, physicochemical variation, residue mobility, and thermodynamic stability) indicates that this missense variant is expected to disrupt SLC16A1 protein function with a positive predictive value of 95%. In summary, the available evidence is currently insufficient to determine the role of this variant in disease. Therefore, it has been classified as a Variant of Uncertain Significance.